The following is an entry in ClinVar:

ClinVar aggregate classification (germline): Uncertain significance (1 of 4 stars; one submission).

Submission:

Labcorp Genetics (formerly Invitae), Labcorp
Classification: Uncertain significance. Last evaluated: 2025-12-03. Review status: criteria provided, single submitter. Criteria: Invitae Variant Classification Sherloc (09022015). Collection method: clinical testing. Allele origin: germline.
Comment: This sequence change replaces aspartic acid, which is acidic and polar, with glycine, which is neutral and non-polar, at codon 667 of the TTLL5 protein (p.Asp667Gly). This variant is present in population databases (no rsID available, gnomAD 0.01%). This variant has not been reported in the literature in individuals affected with TTLL5-related conditions. Invitae Evidence Modeling of protein sequence and biophysical properties (such as structural, functional, and spatial information, amino acid conservation, physicochemical variation, residue mobility, and thermodynamic stability) indicates that this missense variant is not expected to disrupt TTLL5 protein function with a negative predictive value of 80%. Algorithms developed to predict the effect of sequence changes on RNA splicing suggest that this variant may create or strengthen a splice site. In summary, the available evidence is currently insufficient to determine the role of this variant in disease. Therefore, it has been classified as a Variant of Uncertain Significance.

NM_015072.5(TTLL5):c.2000A>G (p.Asp667Gly)

Gene: TTLL5 (tubulin tyrosine ligase like 5; plus strand). Cytogenetic location: 14q24.3.
Variant type: single nucleotide variant.
Coding change: c.2000A>G on transcript NM_015072.5 (MANE Select); coding-DNA position 2000, A replaced by G.
Protein change: p.Asp667Gly; replaces aspartic acid 667 with glycine.
Molecular consequence: missense variant.
Genome position (GRCh38, 1-based): chr14:75,766,353, A>G. VCF-style: chr14-75766353-A-G. GRCh37 (hg19) VCF-style: chr14-76232696-A-G.
Other names: short protein forms D667G.
Identifiers: ClinVar variation 4770037 (VCV004770037.1).